The following is an entry in ClinVar:

ClinVar aggregate classification (germline): Likely benign (1 of 4 stars; one submission).

Allele frequency attached by ClinVar (database versions not stated): gnomAD exomes below 0.00001; ExAC 0.00001.
gnomAD v4.1: 1 of 1,612,256 alleles (0.000062%); highest among the groups gnomAD compares: Non-Finnish European, 0.000085%; no homozygotes.

Submission:

CeGaT Center for Human Genetics Tuebingen
Classification: Likely benign. Last evaluated: 2022-05-01. Review status: criteria provided, single submitter. Criteria: CeGaT Center For Human Genetics Tuebingen Variant Classification Criteria Version 2. Collection method: clinical testing. Allele origin: germline. Affected: yes. Observed: 1 variant allele.
Comment: CC2D2A: BP4

NM_001378615.1(CC2D2A):c.4213G>A (p.Gly1405Ser)

Genes: CC2D2A (coiled-coil and C2 domain containing 2A; plus strand), FBXL5 (F-box and leucine rich repeat protein 5; minus strand). Cytogenetic location: 4p15.32.
Variant type: single nucleotide variant.
Coding change: c.4213G>A on transcript NM_001378615.1 (MANE Select); coding-DNA position 4213, G replaced by A.
Protein change: p.Gly1405Ser; replaces glycine 1405 with serine.
Molecular consequence: missense variant.
Genome position (GRCh38, 1-based): chr4:15,589,578, G>A. VCF-style: chr4-15589578-G-A. GRCh37 (hg19) VCF-style: chr4-15591201-G-A.
Other names: c.4213G>A, p.Gly1405Ser (NM_001080522.2); c.4066G>A, p.Gly1356Ser (NM_001378617.1); short protein forms G1356S, G1405S.
Identifiers: ClinVar variation 2654684 (VCV002654684.22), dbSNP rs757410220, ClinGen allele CA2864353.